The following is an entry in ClinVar:

ClinVar aggregate classification (germline): Pathogenic (1 of 4 stars; one submission).

Submission:

Labcorp Genetics (formerly Invitae), Labcorp
Classification: Pathogenic. Last evaluated: 2022-03-10. Review status: criteria provided, single submitter. Criteria: Invitae Variant Classification Sherloc (09022015). Collection method: clinical testing. Allele origin: germline.
Comment: For these reasons, this variant has been classified as Pathogenic. This variant has not been reported in the literature in individuals affected with DLL1-related conditions. This variant is not present in population databases (gnomAD no frequency). This sequence change creates a premature translational stop signal (p.Tyr79*) in the DLL1 gene. It is expected to result in an absent or disrupted protein product. Loss-of-function variants in DLL1 are known to be pathogenic (PMID: 31353024).

Literature cited by the submitters: PubMed 31353024.

NM_005618.4(DLL1):c.237C>A (p.Tyr79Ter)

Gene: DLL1 (delta like canonical Notch ligand 1; minus strand). Cytogenetic location: 6q27.
Variant type: single nucleotide variant.
Coding change: c.237C>A on transcript NM_005618.4 (MANE Select); coding-DNA position 237, C replaced by A.
Protein change: p.Tyr79Ter; replaces tyrosine 79 with a stop codon.
Molecular consequence: nonsense.
Genome position (GRCh38, 1-based): chr6:170,289,626, G>T on the plus strand (C>A on the coding strand, the complement: DLL1 is on the minus strand). VCF-style: chr6-170289626-G-T. GRCh37 (hg19) VCF-style: chr6-170598714-G-T.
Other names: short protein forms Y79*.
Identifiers: ClinVar variation 2108500 (VCV002108500.4), dbSNP rs778540224, ClinGen allele CA366510036.